The following is an entry in ClinVar:

ClinVar aggregate classification (germline): Likely benign (1 of 4 stars; one submission).

Conditions:
Deficiency of 2-methylbutyryl-CoA dehydrogenase (ACADSB). Also called: 2-methylbutyryl-CoA dehydrogenase deficiency; SBCAD deficiency; 2-methylbutyric aciduria; Short branched-chain acyl-CoA dehydrogenase deficiency; 2-methylbutyrylglycinuria. Identifiers: Orphanet 79157, MedGen C1864912, MONDO:0012392, OMIM 610006, HP:0020147.

Allele frequency attached by ClinVar (database versions not stated): 1000 Genomes Project 0.00220; gnomAD 0.00225 and 0.00241; 1000 Genomes Project 30x 0.00234; TOPMed 0.00260.

Submission:

Illumina Laboratory Services, Illumina
Classification: Likely benign for Deficiency of 2-methylbutyryl-CoA dehydrogenase. Last evaluated: 2018-01-13. Review status: criteria provided, single submitter. Criteria: ICSL Variant Classification Criteria 13 December 2019. Collection method: clinical testing. Allele origin: germline.
Comment: This variant was observed in the ICSL laboratory as part of a predisposition screen in an ostensibly healthy population. It had not been previously curated by ICSL or reported in the Human Gene Mutation Database (HGMD: prior to June 1st, 2018), and was therefore a candidate for classification through an automated scoring system. Utilizing variant allele frequency, disease prevalence and penetrance estimates, and inheritance mode, an automated score was calculated to assess if this variant is too frequent to cause the disease. Based on the score and internal cut-off values, a variant classified as likely benign is not then subjected to further curation. The score for this variant resulted in a classification of likely benign for this disease.

NM_001609.4(ACADSB):c.*3517A>G

Gene: ACADSB (acyl-CoA dehydrogenase short/branched chain; plus strand). Cytogenetic location: 10q26.13.
Variant type: single nucleotide variant.
Coding change: c.*3517A>G on transcript NM_001609.4 (MANE Select); 3517 bases downstream of the stop codon, A replaced by G.
Molecular consequence: 3 prime UTR variant.
Genome position (GRCh38, 1-based): chr10:123,057,282, A>G. VCF-style: chr10-123057282-A-G. GRCh37 (hg19) VCF-style: chr10-124816798-A-G.
Other names: c.*3517A>G (NM_001330174.3).
Identifiers: ClinVar variation 877484 (VCV000877484.4), dbSNP rs147760289, ClinGen allele CA215130594.